The following is an entry in ClinVar:

ClinVar aggregate classification (germline): Pathogenic/Likely pathogenic. Review status: criteria provided, multiple submitters, no conflicts (2 of 4 stars). 3 submissions from 3 submitters: Pathogenic (1); Likely pathogenic (1). 1 of the submissions does not count toward it. Last evaluated 2025-06-04.

Conditions:
Developmental and epileptic encephalopathy, 9 (DEE9). Also called: PCDH19-Related X-Linked Female-Limited Epilepsy with Mental Retardation; EPILEPSY, FEMALE-RESTRICTED, WITH MENTAL RETARDATION; JUBERG-HELLMAN SYNDROME; Early infantile epileptic encephalopathy 9. Identifiers: Orphanet 101039, Orphanet 2076, MedGen C1848137, MONDO:0010246, OMIM 300088. Disease mechanism: loss of function.

Submissions (3):

GeneDx
Classification: Pathogenic. Last evaluated: 2025-06-04. Review status: criteria provided, single submitter. Criteria: GeneDx Variant Classification Process June 2021. Collection method: clinical testing. Allele origin: germline. Affected: yes.
Comment: Published functional studies demonstrate significantly impaired transcription of estrogen receptor alpha-regulated genes (PMID: 28334947); In silico analysis supports that this missense variant has a deleterious effect on protein structure/function; Not observed at significant frequency in large population cohorts (gnomAD); This variant is associated with the following publications: (PMID: 22267240, 27787195, 29763708, 19752159, 34082468, 28334947, 18469813, 39017914, 32852734)

Victorian Clinical Genetics Services, Murdoch Childrens Research Institute
Classification: Likely pathogenic for Developmental and epileptic encephalopathy, 9. Last evaluated: 2024-10-10. Review status: criteria provided, single submitter. Criteria: ACMG Guidelines, 2015. Collection method: clinical testing. Allele origin: germline. Inheritance: X-linked inheritance.
Comment: Based on the classification scheme VCGS_Germline_v1.3.2, this variant is classified as Likely Pathogenic. Following criteria are met: 0102 - Loss of function is a known mechanism of disease in this gene. (I) 0110 - This gene is associated with X-linked disease primarily affecting heterozygous females, however, mosaic males have also been reported less frequently (PMID: 30287595) (I) 0200 - Variant is predicted to result in a missense amino acid change from asparagine to lysine (exon 1). (I) 0251 - This variant is heterozygous. (I) 0301 - Variant is absent from gnomAD (both v2 and v3). (SP) 0501 - Missense variant consistently predicted to be damaging by multiple in silico tools and highly conserved with a moderate amino acid change. (SP) 0601 - Variant is located in the extracellular domain where most missense variants have been reported ((PMID: 18469813, 23334464). (SP) 0705 - No comparable missense variants have previous evidence for pathogenicity. (I) 0803 - This variant has limited previous evidence of pathogenicity in one individual. (SP) 1001 - This variant has strong functional evidence supporting abnormal protein function. Functional studies show that this variant causes reduced transcriptional activity and premature differentiation of human neural stem and progenitor cells. (ClinVar, PMID: 28334947, 29763708). (I) Legend: (SP) - Supporting pathogenic, (I) - Information, (SB) - Supporting benign

OMIM
Classification: Pathogenic for DEVELOPMENTAL AND EPILEPTIC ENCEPHALOPATHY 9. Last evaluated: 2010-03-01. Review status: no assertion criteria provided. Collection method: literature only. Allele origin: germline. Not counted in ClinVar's aggregate classification.

Literature cited by the submitters: PubMed 18469813 (cited by Victorian Clinical Genetics Services, Murdoch Childrens Research Institute); PubMed 23334464 (cited by Victorian Clinical Genetics Services, Murdoch Childrens Research Institute); PubMed 28334947 (cited by Victorian Clinical Genetics Services, Murdoch Childrens Research Institute); PubMed 29763708 (cited by Victorian Clinical Genetics Services, Murdoch Childrens Research Institute); PubMed 30287595 (cited by Victorian Clinical Genetics Services, Murdoch Childrens Research Institute); PubMed 19752159 (cited by OMIM).

NM_001184880.2(PCDH19):c.1671C>G (p.Asn557Lys)

Gene: PCDH19 (protocadherin 19; minus strand). Cytogenetic location: Xq22.1.
Variant type: single nucleotide variant.
Coding change: c.1671C>G on transcript NM_001184880.2 (MANE Select); coding-DNA position 1671, C replaced by G.
Protein change: p.Asn557Lys; replaces asparagine 557 with lysine.
Molecular consequence: missense variant.
Genome position (GRCh38, 1-based): chrX:100,406,927, G>C on the plus strand (C>G on the coding strand, the complement: PCDH19 is on the minus strand). VCF-style: chrX-100406927-G-C. GRCh37 (hg19) VCF-style: chrX-99661925-G-C.
Other names: c.1671C>G, p.Asn557Lys (NM_001105243.2, NM_020766.3); short protein forms N557K.
Identifiers: ClinVar variation 11022 (VCV000011022.7), dbSNP rs267606933, ClinGen allele CA121303.